The following is an entry in ClinVar:

NM_001377.3(DYNC2H1):c.2533G>C (p.Asp845His)

Gene: DYNC2H1 (dynein cytoplasmic 2 heavy chain 1; plus strand). Cytogenetic location: 11q22.3.
Variant type: single nucleotide variant.
Coding change: c.2533G>C on transcript NM_001377.3 (MANE Select); coding-DNA position 2533, G replaced by C.
Protein change: p.Asp845His; replaces aspartic acid 845 with histidine.
Molecular consequence: missense variant.
Genome position (GRCh38, 1-based): chr11:103,135,907, G>C. VCF-style: chr11-103135907-G-C. GRCh37 (hg19) VCF-style: chr11-103006636-G-C.
Other names: c.2533G>C, p.Asp845His (NM_001080463.2); short protein forms D845H.
Identifiers: ClinVar variation 661182 (VCV000661182.10), dbSNP rs879676957, ClinGen allele CA382260950.

ClinVar aggregate classification (germline): Uncertain significance (1 of 4 stars; one submission).

Conditions:
Jeune thoracic dystrophy. Also called: Infantile thoracic dystrophy; Thoracic pelvic phalangeal dystrophy; Jeune's syndrome; Chondroectodermal dysplasia-like syndrome; Short-rib thoracic dysplasia; Jeune syndrome. Identifiers: Orphanet 474, MedGen C0265275, MONDO:0018770.

Submission:

Labcorp Genetics (formerly Invitae), Labcorp
Classification: Uncertain significance for Jeune thoracic dystrophy. Last evaluated: 2019-12-22. Review status: criteria provided, single submitter. Criteria: Invitae Variant Classification Sherloc (09022015). Collection method: clinical testing. Allele origin: germline.
Comment: This variant is not present in population databases (ExAC no frequency). This sequence change replaces aspartic acid with histidine at codon 845 of the DYNC2H1 protein (p.Asp845His). The aspartic acid residue is highly conserved and there is a moderate physicochemical difference between aspartic acid and histidine. This variant has not been reported in the literature in individuals with DYNC2H1-related disease. In summary, the available evidence is currently insufficient to determine the role of this variant in disease. Therefore, it has been classified as a Variant of Uncertain Significance. Algorithms developed to predict the effect of missense changes on protein structure and function are either unavailable or do not agree on the potential impact of this missense change (SIFT: "Deleterious"; PolyPhen-2: "Benign"; Align-GVGD: "Class C0").